The following is an entry in ClinVar:

NM_198576.4(AGRN):c.3001C>G (p.Pro1001Ala)

Gene: AGRN (agrin; plus strand). Cytogenetic location: 1p36.33.
Variant type: single nucleotide variant.
Coding change: c.3001C>G on transcript NM_198576.4 (MANE Select); coding-DNA position 3001, C replaced by G.
Protein change: p.Pro1001Ala; replaces proline 1001 with alanine.
Molecular consequence: missense variant.
Genome position (GRCh38, 1-based): chr1:1,046,486, C>G. VCF-style: chr1-1046486-C-G. GRCh37 (hg19) VCF-style: chr1-981866-C-G.
Other names: c.3001C>G (NM_198576.3); c.3001C>G, p.Pro1001Ala (NM_001305275.2); c.2686C>G, p.Pro896Ala (NM_001364727.2); short protein forms P1001A, P896A.
Identifiers: ClinVar variation 2741490 (VCV002741490.4), dbSNP rs752212460, ClinGen allele CA508910.

ClinVar aggregate classification (germline): Uncertain significance. Review status: criteria provided, multiple submitters, no conflicts (2 of 4 stars). 3 submissions from 3 submitters: Uncertain significance (3). Last evaluated 2025-01-28.

Conditions:
Congenital myasthenic syndrome 8. Also called: MYASTHENIC SYNDROME, CONGENITAL, DUE TO AGRIN DEFICIENCY; Myasthenic syndrome, congenital, 8, with pre- and postsynaptic defects. Identifiers: Orphanet 590, MedGen C3808739, MONDO:0014052, OMIM 615120.
Inborn genetic diseases. Identifiers: MedGen C0950123, MeSH D030342.

gnomAD v4.1: 42 of 1,610,654 alleles (0.0026%); highest among the groups gnomAD compares: Middle Eastern, 0.033%; no homozygotes.

Submissions (3):

Ambry Genetics
Classification: Uncertain significance for Inborn genetic diseases. Last evaluated: 2025-01-28. Review status: criteria provided, single submitter. Criteria: Ambry Variant Classification Scheme 2023. Collection method: clinical testing. Allele origin: germline.

Revvity Omics, Revvity
Classification: Uncertain significance for Congenital myasthenic syndrome 8. Last evaluated: 2024-10-22. Review status: criteria provided, single submitter. Criteria: ACMG Guidelines, 2015. Collection method: clinical testing. Allele origin: germline.

Labcorp Genetics (formerly Invitae), Labcorp
Classification: Uncertain significance for Congenital myasthenic syndrome 8. Last evaluated: 2023-10-29. Review status: criteria provided, single submitter. Criteria: Invitae Variant Classification Sherloc (09022015). Collection method: clinical testing. Allele origin: germline.
Comment: This sequence change replaces proline, which is neutral and non-polar, with alanine, which is neutral and non-polar, at codon 1001 of the AGRN protein (p.Pro1001Ala). This variant is present in population databases (rs752212460, gnomAD 0.003%). This variant has not been reported in the literature in individuals affected with AGRN-related conditions. Algorithms developed to predict the effect of missense changes on protein structure and function output the following: SIFT: "Not Available"; PolyPhen-2: "Possibly Damaging"; Align-GVGD: "Not Available". The alanine amino acid residue is found in multiple mammalian species, which suggests that this missense change does not adversely affect protein function. In summary, the available evidence is currently insufficient to determine the role of this variant in disease. Therefore, it has been classified as a Variant of Uncertain Significance.